The following is an entry in ClinVar:

ClinVar aggregate classification (germline): Pathogenic/Likely pathogenic. Review status: criteria provided, multiple submitters, no conflicts (2 of 4 stars). 6 submissions from 6 submitters: Pathogenic (4); Likely pathogenic (2). Last evaluated 2025-12-17.

Conditions:
Autosomal recessive limb-girdle muscular dystrophy type 2J (LGMDR10). Also called: Limb-girdle muscular dystrophy, type 2J; MUSCULAR DYSTROPHY, LIMB-GIRDLE, AUTOSOMAL RECESSIVE 10. Identifiers: Orphanet 140922, MedGen C1837342, MONDO:0012127, OMIM 608807.
Dilated cardiomyopathy 1G (CMD1G). Identifiers: Orphanet 154, MedGen C1858763, MONDO:0011400, OMIM 604145.
TTN-related disorder. Also called: TTN-related condition; TTN-related disease; TTN-related disorders.
Cardiovascular phenotype. Identifiers: MedGen CN230736.

Allele frequency attached by ClinVar (database versions not stated): gnomAD exomes below 0.00001 and 0.00001; TOPMed 0.00001.
gnomAD v4.1: 3 of 1,613,428 alleles (0.00019%); highest among the groups gnomAD compares: Admixed American, 0.0033%; no homozygotes.

Submissions (6):

GeneDx
Classification: Pathogenic. Last evaluated: 2025-12-17. Review status: criteria provided, single submitter. Criteria: GeneDx Variant Classification Process June 2021. Collection method: clinical testing. Allele origin: germline. Affected: yes.
Comment: Nonsense variant predicted to result in protein truncation or nonsense mediated decay in a gene for which loss of function is a known mechanism of disease; Not observed at significant frequency in large population cohorts (gnomAD); Located in the A-band, a region of TTN for which truncating variants are significantly associated with autosomal dominant cardiomyopathy and also with autosomal recessive skeletal myopathies (PMID: 22335739, 32778822); This variant is associated with the following publications: (PMID: 25163546, 32969603, 32277046, 38050027, 38473809, 22335739, 32778822)

Ambry Genetics
Classification: Likely pathogenic for Cardiovascular phenotype. Last evaluated: 2025-09-16. Review status: criteria provided, single submitter. Criteria: Ambry Variant Classification Scheme 2023. Collection method: clinical testing. Allele origin: germline.
Comment: The p.R11180* variant (also known as c.33538C>T), located in coding exon 131 of the TTN gene, results from a C to T substitution at nucleotide position 33538. This changes the amino acid from an arginine to a stop codon within coding exon 131. This exon is located in the A-band region of the N2-B isoform of the titin protein and is constitutively expressed in TTN transcripts (percent spliced in or PSI 100%). This variant was reported in individual(s) with features consistent with dilated cardiomyopathy (DCM) (Carnevale A et al. Mol Genet Genomic Med, 2020 Nov;8:e1504; Haas J et al. Eur Heart J, 2015 May;36:1123-35a). Note, this variant is also referred to as p.R11372* (c.34114C>T) and p.R20245* (c.60733C>T) in the literature. This variant is expected to result in loss of function by premature protein truncation or nonsense-mediated mRNA decay. While truncating variants in TTN are present in 1-3% of the general population, truncating variants in the A-band are the most common cause of dilated cardiomyopathy (Herman DS et al. N. Engl. J. Med., 2012 Feb;366:619-28; Roberts AM et al. Sci Transl Med, 2015 Jan;7:270ra6). TTN truncating variants encoded in constitutive exons (PSI >90%) have been found to be significantly associated with DCM regardless of their position in titin (Schafer S et al. Nat. Genet., 2017 01;49:46-53; Akhtar MM et al. Circ Heart Fail, 2020 Oct;13:e006832; Massier M et al. Clin Genet, 2025 Jan). Based on the majority of available evidence to date, this variant is likely to be pathogenic.

Labcorp Genetics (formerly Invitae), Labcorp
Classification: Pathogenic for Dilated cardiomyopathy 1G; Autosomal recessive limb-girdle muscular dystrophy type 2J. Last evaluated: 2025-05-17. Review status: criteria provided, single submitter. Criteria: Invitae Variant Classification Sherloc (09022015). Collection method: clinical testing. Allele origin: germline.
Comment: This sequence change creates a premature translational stop signal (p.Arg20245*) in the TTN gene. While this is not anticipated to result in nonsense mediated decay, it is expected to create a truncated TTN protein. This variant is present in population databases (no rsID available, gnomAD 0.006%). This premature translational stop signal has been observed in individual(s) with autosomal dominant dilated cardiomyopathy and autosomal recessive myopathy (PMID: 25163546; internal data). In at least one individual the data is consistent with being in trans (on the opposite chromosome) from a pathogenic variant. This variant is also known as c.34114C>T, p.R11372X. ClinVar contains an entry for this variant (Variation ID: 385545). This variant is located in the A band of TTN (PMID: 25589632). Truncating variants in this region are significantly overrepresented in patients affected with dilated cardiomyopathy (PMID: 25589632). Truncating variants in this region have also been reported in individuals affected with autosomal recessive centronuclear myopathy (PMID: 23975875). For these reasons, this variant has been classified as Pathogenic.

CeGaT Center for Human Genetics Tuebingen
Classification: Likely pathogenic. Last evaluated: 2023-11-01. Review status: criteria provided, single submitter. Criteria: CeGaT Center For Human Genetics Tuebingen Variant Classification Criteria Version 2. Collection method: clinical testing. Allele origin: germline. Affected: yes. Observed: 1 variant allele.
Comment: TTN: PVS1:Strong, PM2, PM3, PS4:Supporting

Blueprint Genetics
Classification: Pathogenic for TTN-related disorders. Last evaluated: 2023-03-06. Review status: criteria provided, single submitter. Criteria: ACMG Guidelines, 2015. Collection method: clinical testing. Allele origin: germline. Affected: yes. Observed: 1 variant allele.

Center of Genomic medicine, Geneva, University Hospital of Geneva
Classification: Pathogenic for Dilated cardiomyopathy 1G. Last evaluated: 2023-02-02. Review status: criteria provided, single submitter. Criteria: ACMG Guidelines, 2015. Collection method: clinical testing. Allele origin: germline. Affected: yes. Observed: 1 variant allele.

Literature cited by the submitters: PubMed 25163546 (cited by Ambry Genetics and Labcorp Genetics (formerly Invitae), Labcorp); PubMed 32969603 (cited by Ambry Genetics); PubMed 25589632 (cited by Labcorp Genetics (formerly Invitae), Labcorp); PubMed 23975875 (cited by Labcorp Genetics (formerly Invitae), Labcorp).

NM_001267550.2(TTN):c.60733C>T (p.Arg20245Ter)

Genes: TTN (titin; minus strand), TTN-AS1 (TTN antisense RNA 1; plus strand). Cytogenetic location: 2q31.2.
Variant type: single nucleotide variant.
Coding change: c.60733C>T on transcript NM_001267550.2 (MANE Select); coding-DNA position 60733, C replaced by T.
Protein change: p.Arg20245Ter; replaces arginine 20245 with a stop codon.
Molecular consequence: nonsense.
Genome position (GRCh38, 1-based): chr2:178,590,992, G>A on the plus strand (C>T on the coding strand, the complement: TTN is on the minus strand). VCF-style: chr2-178590992-G-A. GRCh37 (hg19) VCF-style: chr2-179455719-G-A.
Other names: p.(Arg18604*); c.60733C>T (NM_001267550.1); c.55810C>T, p.Arg18604Ter (NM_001256850.1); c.33538C>T, p.Arg11180Ter (NM_003319.4); c.53029C>T, p.Arg17677Ter (NM_133378.4); c.33913C>T, p.Arg11305Ter (NM_133432.3); c.34114C>T, p.Arg11372Ter (NM_133437.4); short protein forms R18604*, R20245*, R11305*, R11372*, R17677*, R11180*.
Identifiers: ClinVar variation 385545 (VCV000385545.39), dbSNP rs1057522256, ClinGen allele CA16604007.